The following is an entry in ClinVar:

ClinVar aggregate classification (germline): Uncertain significance (1 of 4 stars; one submission).

Conditions:
Cardiovascular phenotype. Identifiers: MedGen CN230736.

Submission:

Ambry Genetics
Classification: Uncertain significance for Cardiovascular phenotype. Last evaluated: 2021-01-05. Review status: criteria provided, single submitter. Criteria: Ambry Variant Classification Scheme 2023. Collection method: clinical testing. Allele origin: germline.
Comment: The c.1873+1G>C intronic variant results from a G to C substitution one nucleotide after coding exon 22 of the CACNA2D1 gene. This nucleotide position is highly conserved in available vertebrate species. In silico splice site analysis predicts that this alteration will weaken the native splice donor site. Alterations that disrupt the canonical splice site are expected to cause aberrant splicing, resulting in an abnormal protein or a transcript that is subject to nonsense-mediated mRNA decay. However, loss of function of CACNA2D1 has not been clearly established as a mechanism of disease. Since supporting evidence is limited at this time, the clinical significance of this alteration remains unclear.

NM_000722.4(CACNA2D1):c.1873+1G>C

Gene: CACNA2D1 (calcium voltage-gated channel auxiliary subunit alpha2delta 1; minus strand). Cytogenetic location: 7q21.11.
Variant type: single nucleotide variant.
Coding change: c.1873+1G>C on transcript NM_000722.4 (MANE Select); the canonical splice donor site of the intron after coding-DNA position 1873, G replaced by C.
Molecular consequence: splice donor variant.
Genome position (GRCh38, 1-based): chr7:81,984,634, C>G on the plus strand (G>C on the coding strand, the complement: CACNA2D1 is on the minus strand). VCF-style: chr7-81984634-C-G. GRCh37 (hg19) VCF-style: chr7-81613950-C-G.
Other names: c.1930+1G>C (NM_001366867.1).
Identifiers: ClinVar variation 1781720 (VCV001781720.2), dbSNP rs2130666327, ClinGen allele CA367876142.